The following is an entry in ClinVar:

NM_003361.4(UMOD):c.973+139T>C

Gene: UMOD (uromodulin; minus strand). Cytogenetic location: 16p12.3.
Variant type: single nucleotide variant.
Coding change: c.973+139T>C on transcript NM_003361.4 (MANE Select); 139 bases into the intron after coding-DNA position 973, T replaced by C.
Molecular consequence: intron variant.
Genome position (GRCh38, 1-based): chr16:20,348,084, A>G on the plus strand (T>C on the coding strand, the complement: UMOD is on the minus strand). VCF-style: chr16-20348084-A-G. GRCh37 (hg19) VCF-style: chr16-20359406-A-G.
Other names: c.973+139T>C (NM_001008389.3, NM_001378234.1, NM_001378235.1 and 3 more transcripts); c.1072+139T>C (NM_001278614.2).
Identifiers: ClinVar variation 2413030 (VCV002413030.3), dbSNP rs112166439, ClinGen allele CA279299170.
Genomic context (GRCh38, chr16:20,348,084, plus strand): 5'-CTAAAGGGAGACTCAGGGAGCCTCAGAGAGCCTCTTGCCGGCTTTAATGGGTATTAGTGG[A>G]TCTTCTGTTTTCACTCAGGTTGGATATATATCCCCTGCGTCATACCCATATGGCCCCAAT-3'

ClinVar aggregate classification (germline): Likely benign (1 of 4 stars; one submission).

Allele frequency attached by ClinVar (database versions not stated): 1000 Genomes Project 0.00260; 1000 Genomes Project 30x 0.00281; TOPMed 0.00398.
gnomAD v4.1: 863 of 805,582 alleles (0.11%); highest among the groups gnomAD compares: African/African-American, 1.2%; 2 homozygotes.

Submission:

GeneDx
Classification: Likely benign. Last evaluated: 2021-12-10. Review status: criteria provided, single submitter. Criteria: GeneDx Variant Classification Process June 2021. Collection method: clinical testing. Allele origin: germline. Affected: yes.
Comment: See Variant Classification Assertion Criteria.